The following is an entry in ClinVar:

ClinVar aggregate classification (germline): Uncertain significance (1 of 4 stars; one submission).

Allele frequency attached by ClinVar (database versions not stated): gnomAD exomes 0.00003.
gnomAD v4.1: 43 of 1,484,444 alleles (0.0029%); highest among the groups gnomAD compares: Non-Finnish European, 0.0036%; no homozygotes.

Submission:

Labcorp Genetics (formerly Invitae), Labcorp
Classification: Uncertain significance. Last evaluated: 2024-10-03. Review status: criteria provided, single submitter. Criteria: Invitae Variant Classification Sherloc (09022015). Collection method: clinical testing. Allele origin: germline.
Comment: This sequence change replaces glycine, which is neutral and non-polar, with cysteine, which is neutral and slightly polar, at codon 404 of the DLL3 protein (p.Gly404Cys). The frequency data for this variant in the population databases is considered unreliable, as metrics indicate poor data quality at this position in the gnomAD database. This missense change has been observed in individual(s) with clinical features of DLL3-related conditions (internal data). ClinVar contains an entry for this variant (Variation ID: 1403215). An algorithm developed to predict the effect of missense changes on protein structure and function (PolyPhen-2) suggests that this variant is likely to be disruptive. In summary, the available evidence is currently insufficient to determine the role of this variant in disease. Therefore, it has been classified as a Variant of Uncertain Significance.

NM_203486.3(DLL3):c.1210G>T (p.Gly404Cys)

Genes: DLL3 (delta like canonical Notch ligand 3; plus strand), LOC130064418 (ATAC-STARR-seq lymphoblastoid silent region 10609; plus strand). Cytogenetic location: 19q13.2.
Variant type: single nucleotide variant.
Coding change: c.1210G>T on transcript NM_203486.3 (MANE Select); coding-DNA position 1210, G replaced by T.
Protein change: p.Gly404Cys; replaces glycine 404 with cysteine.
Molecular consequence: missense variant.
Genome position (GRCh38, 1-based): chr19:39,507,155, G>T. VCF-style: chr19-39507155-G-T. GRCh37 (hg19) VCF-style: chr19-39997795-G-T.
Other names: c.1210G>T, p.Gly404Cys (NM_016941.4); short protein forms G404C.
Identifiers: ClinVar variation 1403215 (VCV001403215.7), dbSNP rs1396120007, ClinGen allele CA405800495.